The following is an entry in ClinVar:

NM_001195518.2(MICU1):c.553C>T (p.Arg185Ter)

Gene: MICU1 (mitochondrial calcium uptake 1; minus strand). Cytogenetic location: 10q22.1.
Variant type: single nucleotide variant.
Coding change: c.553C>T on transcript NM_001195518.2 (MANE Select); coding-DNA position 553, C replaced by T.
Protein change: p.Arg185Ter; replaces arginine 185 with a stop codon.
Molecular consequence: nonsense. On other transcripts: intron variant (1).
Genome position (GRCh38, 1-based): chr10:72,508,254, G>A on the plus strand (C>T on the coding strand, the complement: MICU1 is on the minus strand). VCF-style: chr10-72508254-G-A. GRCh37 (hg19) VCF-style: chr10-74268012-G-A.
Other names: c.559C>T (NM_006077.3); c.571C>T, p.Arg191Ter (NM_001363513.2); c.559C>T, p.Arg187Ter (NM_006077.4); c.58+15548C>T (NM_001195519.2); short protein forms R185*, R187*, R191*.
Identifiers: ClinVar variation 2631843 (VCV002631843.3), dbSNP rs755651388, ClinGen allele CA5550206.

ClinVar aggregate classification (germline): Pathogenic/Likely pathogenic. Review status: criteria provided, multiple submitters, no conflicts (2 of 4 stars). 3 submissions from 3 submitters: Pathogenic (1); Likely pathogenic (2). Last evaluated 2024-10-04.

Conditions:
MICU1-related disorder. Also called: MICU1-related condition.
Proximal myopathy with extrapyramidal signs. Also called: Myopathy with extrapyramidal signs. Identifiers: Orphanet 401768, MedGen C3810285, MONDO:0014300, OMIM 615673.

Allele frequency attached by ClinVar (database versions not stated): gnomAD exomes 0.00002; ExAC 0.00003; gnomAD 0.00004; TOPMed 0.00006.
gnomAD v4.1: 36 of 1,506,930 alleles (0.0024%); highest among the groups gnomAD compares: South Asian, 0.0041%; no homozygotes.

Submissions (3):

Dubai Health Genomic Medicine Center, Dubai Health
Classification: Likely pathogenic for Myopathy with extrapyramidal signs. Last evaluated: 2024-10-04. Review status: criteria provided, single submitter. Criteria: ACMG Guidelines, 2015. Collection method: research. Allele origin: germline. Affected: yes.
Comment: PVS1,PM2,PP1

GeneDx
Classification: Pathogenic. Last evaluated: 2023-11-27. Review status: criteria provided, single submitter. Criteria: GeneDx Variant Classification Process June 2021. Collection method: clinical testing. Allele origin: germline. Affected: yes.
Comment: Nonsense variant predicted to result in protein truncation or nonsense mediated decay in a gene for which loss of function is a known mechanism of disease; Not observed at significant frequency in large population cohorts (gnomAD); This variant is associated with the following publications: (PMID: 33428302)

PreventionGenetics, part of Exact Sciences
Classification: Likely pathogenic for MICU1-related condition. Last evaluated: 2023-04-07. Review status: criteria provided, single submitter. Criteria: ACMG Guidelines, 2015. Collection method: clinical testing. Allele origin: germline.
Comment: The MICU1 c.553C>T variant is predicted to result in premature protein termination (p.Arg185*). This variant was reported in the homozygous state in an individual with myopathy, developmental delay, and ataxia (Kohlschmidt et al. 2021. PubMed ID: 33428302). This variant is reported in 0.0077% of alleles in individuals of South Asian descent in gnomAD. Nonsense variants in MICU1 are expected to be pathogenic. Taken together, this variant is interpreted as likely pathogenic.